The following is an entry in ClinVar:

ClinVar aggregate classification (germline): Likely benign (0 of 4 stars; one submission).

Conditions:
CACNA1I-related disorder. Also called: CACNA1I-related condition.

Allele frequency attached by ClinVar (database versions not stated): gnomAD 0.00002; gnomAD exomes 0.00003; TOPMed 0.00005; ExAC 0.00017.
gnomAD v4.1: 38 of 1,524,258 alleles (0.0025%); highest among the groups gnomAD compares: Middle Eastern, 0.02%; no homozygotes.

Submission:

PreventionGenetics, part of Exact Sciences
Classification: Likely benign for CACNA1I-related condition. Last evaluated: 2019-03-15. Review status: no assertion criteria provided. Collection method: clinical testing. Allele origin: germline.
Comment: This variant is classified as likely benign based on ACMG/AMP sequence variant interpretation guidelines (Richards et al. 2015 PMID: 25741868, with internal and published modifications).

NM_021096.4(CACNA1I):c.1710C>T (p.Thr570=)

Gene: CACNA1I (calcium voltage-gated channel subunit alpha1 I; plus strand). Cytogenetic location: 22q13.1.
Variant type: single nucleotide variant.
Coding change: c.1710C>T on transcript NM_021096.4 (MANE Select); coding-DNA position 1710, C replaced by T.
Protein change: p.Thr570=; no amino-acid change (threonine 570 retained).
Molecular consequence: synonymous variant.
Genome position (GRCh38, 1-based): chr22:39,649,643, C>T. VCF-style: chr22-39649643-C-T. GRCh37 (hg19) VCF-style: chr22-40045648-C-T.
Other names: c.1605C>T, p.Thr535= (NM_001003406.2).
Identifiers: ClinVar variation 3046693 (VCV003046693.2), dbSNP rs772868211, ClinGen allele CA10243918.